The following is an entry in ClinVar:

NM_172107.4(KCNQ2):c.701C>T (p.Thr234Ile)

Gene: KCNQ2 (potassium voltage-gated channel subfamily Q member 2; minus strand). Cytogenetic location: 20q13.33.
Variant type: single nucleotide variant.
Coding change: c.701C>T on transcript NM_172107.4 (MANE Select); coding-DNA position 701, C replaced by T.
Protein change: p.Thr234Ile; replaces threonine 234 with isoleucine.
Molecular consequence: missense variant.
Genome position (GRCh38, 1-based): chr20:63,442,521, G>A on the plus strand (C>T on the coding strand, the complement: KCNQ2 is on the minus strand). VCF-style: chr20-63442521-G-A. GRCh37 (hg19) VCF-style: chr20-62073874-G-A.
Other names: g.63442521 G>A; p.Thr234Ile; p.Y234I; c.701C>T, p.Thr234Ile (NM_004518.6, NM_172106.3, NM_172108.5 and 1 more transcripts); short protein forms T234I.
Identifiers: ClinVar variation 197892 (VCV000197892.18), dbSNP rs794727741, ClinGen allele CA207014.
Genomic context (GRCh38, chr20:63,442,521, plus strand): 5'-TCTGCCAAGTACACCAGGAACGAGGCCAGGATGAGACAAAGGAAGCCGATGTACCAGGCA[G>A]TGACCAGCTCCTGAGAGGCAGACGGCACCACCATCATGACCACCATCACCAGAAGCATCA-3'
Protein context (NP_742105.1, residues 224-244): VVYAHSKELV[Thr234Ile]AWYIGFLCLI

ClinVar aggregate classification (germline): Conflicting classifications of pathogenicity. Review status: criteria provided, conflicting classifications (1 of 4 stars). 5 submissions from 5 submitters: Pathogenic (2); Likely pathogenic (2); Uncertain significance (1). Last evaluated 2025-08-11.

Conditions:
Early-infantile DEE. Also called: Ohtahara syndrome; Early infantile epileptic encephalopathy; Early infantile epileptic encephalopathy with suppression bursts. Identifiers: Orphanet 1934, MedGen C0393706, MONDO:0800491.
Developmental and epileptic encephalopathy, 7 (DEE7). Also called: KCNQ2-Related Neonatal-Onset Developmental and Epileptic Encephalopathy (NEO-DEE); Early infantile epileptic encephalopathy 7; KCNQ2-Related Neonatal Epileptic Encephalopathy. Identifiers: Orphanet 439218, MedGen C3150986, MONDO:0013387, OMIM 613720.
Seizure. Also called: Seizures. Identifiers: MedGen C0036572, HP:0001250.

Submissions (5):

Labcorp Genetics (formerly Invitae), Labcorp
Classification: Pathogenic for Early-infantile DEE. Last evaluated: 2025-08-11. Review status: criteria provided, single submitter. Criteria: Invitae Variant Classification Sherloc (09022015). Collection method: clinical testing. Allele origin: germline.
Comment: This sequence change replaces threonine, which is neutral and polar, with isoleucine, which is neutral and non-polar, at codon 234 of the KCNQ2 protein (p.Thr234Ile). This variant is not present in population databases (gnomAD no frequency). This missense change has been observed in individual(s) with clinical features of epilepsy (PMID: 29056246, 29720203; internal data). In at least one individual the variant was observed to be de novo. ClinVar contains an entry for this variant (Variation ID: 197892). Invitae Evidence Modeling of protein sequence and biophysical properties (such as structural, functional, and spatial information, amino acid conservation, physicochemical variation, residue mobility, and thermodynamic stability) indicates that this missense variant is expected to disrupt KCNQ2 protein function with a positive predictive value of 95%. This variant disrupts the p.Thr234 amino acid residue in KCNQ2. Other variant(s) that disrupt this residue have been observed in individuals with KCNQ2-related conditions (PMID: 25818041; internal data), which suggests that this may be a clinically significant amino acid residue. For these reasons, this variant has been classified as Pathogenic.

Centro Nacional de Genética Medica, Administración Nacional de Laboratorios e Institutos de Salud (ANLIS) “Dr. Carlos G Malbrán”
Classification: Pathogenic for Developmental and epileptic encephalopathy, 7. Last evaluated: 2024-08-01. Review status: criteria provided, single submitter. Criteria: ACMG Guidelines, 2015. Collection method: research. Allele origin: germline. Affected: yes. Observed: 1 variant allele.
Comment: The c.701C>T, p.Thr234Ile, variant found is located in exon 5 of the KCNQ2 gene. This variant is reported in ClinVar (rs794727741) classified as pathogenic and in this same database it is reported de novo with no family history of the pathology (ClinVar: VCV000197892.16) (PMID:29056246) (PS2). The variant is located in a functional domain of the protein (PM1). Other variants in the same amino acid position (p.Thr234Pro, p.Thr234Ala) have been described and classified as pathogenic (PMID:25818041; PMID:29720203) (PM5). The variant found is not present in population databases such as GnomAD, ExAc or 1000 genomes (PM2_Supporting). Missense variants are a frequent cause of pathogenicity in this gene, with 362 pathogenic variants described and only 25 benign (PP2). Bioinformatics predictors classify this variant as deleted (PP3).

GeneDx
Classification: Likely pathogenic. Last evaluated: 2023-12-16. Review status: criteria provided, single submitter. Criteria: GeneDx Variant Classification Process June 2021. Collection method: clinical testing. Allele origin: germline. Affected: yes.
Comment: Reported in an individual with seizures and developmental delay, though parental segregation was not included (PMID: 29056246); In silico analysis supports that this missense variant has a deleterious effect on protein structure/function; This substitution is predicted to be within the transmembrane segment S5; Missense variants in this gene are often considered pathogenic (HGMD); Not observed at significant frequency in large population cohorts (gnomAD); This variant is associated with the following publications: (PMID: 25818041, 29720203, 29056246)

Genetic Services Laboratory, University of Chicago
Classification: Likely pathogenic for Seizures. Last evaluated: 2014-12-05. Review status: criteria provided, single submitter. Criteria: ACMG Guidelines, 2015. Collection method: clinical testing. Allele origin: germline. Affected: yes.

Eurofins Ntd Llc (ga)
Classification: Uncertain significance. Last evaluated: 2014-06-27. Review status: criteria provided, single submitter. Criteria: EGL Classification Definitions 2015. Collection method: clinical testing. Allele origin: germline. Observed: 1 variant allele, 1 heterozygote.

Literature cited by the submitters: PubMed 29056246 (cited by Labcorp Genetics (formerly Invitae), Labcorp and Centro Nacional de Genética Medica, Administración Nacional de Laboratorios e Institutos de Salud (ANLIS) “Dr. Carlos G Malbrán”); PubMed 29720203 (cited by Labcorp Genetics (formerly Invitae), Labcorp and Centro Nacional de Genética Medica, Administración Nacional de Laboratorios e Institutos de Salud (ANLIS) “Dr. Carlos G Malbrán”); PubMed 25818041 (cited by Labcorp Genetics (formerly Invitae), Labcorp and Centro Nacional de Genética Medica, Administración Nacional de Laboratorios e Institutos de Salud (ANLIS) “Dr. Carlos G Malbrán”).